The following is an entry in ClinVar:

NM_002427.4(MMP13):c.799+7C>T

Gene: MMP13 (matrix metallopeptidase 13; minus strand). Cytogenetic location: 11q22.2.
Variant type: single nucleotide variant.
Coding change: c.799+7C>T on transcript NM_002427.4 (MANE Select); 7 bases into the intron after coding-DNA position 799, C replaced by T.
Molecular consequence: intron variant.
Genome position (GRCh38, 1-based): chr11:102,952,005, G>A on the plus strand (C>T on the coding strand, the complement: MMP13 is on the minus strand). VCF-style: chr11-102952005-G-A. GRCh37 (hg19) VCF-style: chr11-102822734-G-A.
Identifiers: ClinVar variation 301986 (VCV000301986.43), dbSNP rs72987505, ClinGen allele CA6251893.
Genomic context (GRCh38, chr11:102,952,005, plus strand): 5'-GAAAATAAATGCATGGGTTTCTTCTGCTTTTATAACTGATCATATTCTATTTCTATAACC[G>A]AGTTACCATAGAGAGACTGGATCCCTTGTACATCGTCATCAGGAAGCATAAAGTGGCTTT-3'

ClinVar aggregate classification (germline): Benign/Likely benign. Review status: criteria provided, multiple submitters, no conflicts (2 of 4 stars). 7 submissions from 6 submitters: Benign (3); Likely benign (4). Last evaluated 2026-01-27.

Conditions:
Metaphyseal chondrodysplasia, Spahr type (MDST). Identifiers: Orphanet 2501, MedGen C0432225, MONDO:0009597, OMIM 250400.
Metaphyseal anadysplasia. Also called: Early-onset regressive form of metaphyseal dysplasia. Identifiers: Orphanet 1040, MedGen C0432226, MONDO:0015177.
Spondyloepimetaphyseal dysplasia, Missouri type. Identifiers: Orphanet 1040, Orphanet 93356, MedGen C1865832, MONDO:0011198, OMIM 602111.

Allele frequency attached by ClinVar (database versions not stated): ESP Exome Variant Server 0.00354; TOPMed 0.00368; 1000 Genomes Project 30x 0.00375; 1000 Genomes Project 0.00379; gnomAD exomes 0.00030 and 0.00079; ExAC 0.00098; gnomAD 0.00284 and 0.00298.
gnomAD v4.1: 919 of 1,612,268 alleles (0.057%); highest among the groups gnomAD compares: African/African-American, 1%; 7 homozygotes.

Submissions (7):

Labcorp Genetics (formerly Invitae), Labcorp
Classification: Benign. Last evaluated: 2026-01-27. Review status: criteria provided, single submitter. Criteria: Invitae Variant Classification Sherloc (09022015). Collection method: clinical testing. Allele origin: germline.

Blueprint Genetics
Classification: Likely benign. Last evaluated: 2024-10-03. Review status: criteria provided, single submitter. Criteria: ACMG Guidelines, 2015. Collection method: clinical testing. Allele origin: germline.

CeGaT Center for Human Genetics Tuebingen
Classification: Likely benign. Last evaluated: 2023-02-01. Review status: criteria provided, single submitter. Criteria: CeGaT Center For Human Genetics Tuebingen Variant Classification Criteria Version 2. Collection method: clinical testing. Allele origin: germline. Affected: yes. Observed: 1 variant allele.
Comment: MMP13: BP4, BS2

Centre for Mendelian Genomics, University Medical Centre Ljubljana
Classification: Benign for Metaphyseal chondrodysplasia, Spahr type. Last evaluated: 2018-10-31. Review status: criteria provided, single submitter. Criteria: ACMG Guidelines, 2015. Collection method: clinical testing. Allele origin: unknown. Affected: yes.
Comment: This variant was classified as: Benign. The following ACMG criteria were applied in classifying this variant: BS1,BS2.

Illumina Laboratory Services, Illumina
Classification: Likely benign for Spondyloepimetaphyseal dysplasia, Missouri type. Last evaluated: 2018-01-13. Review status: criteria provided, single submitter. Criteria: ICSL Variant Classification Criteria 13 December 2019. Collection method: clinical testing. Allele origin: germline.
Comment: This variant was observed in the ICSL laboratory as part of a predisposition screen in an ostensibly healthy population. It had not been previously curated by ICSL or reported in the Human Gene Mutation Database (HGMD: prior to June 1st, 2018), and was therefore a candidate for classification through an automated scoring system. Utilizing variant allele frequency, disease prevalence and penetrance estimates, and inheritance mode, an automated score was calculated to assess if this variant is too frequent to cause the disease. Based on the score and internal cut-off values, a variant classified as likely benign is not then subjected to further curation. The score for this variant resulted in a classification of likely benign for this disease.

Illumina Laboratory Services, Illumina
Classification: Benign for Metaphyseal anadysplasia. Last evaluated: 2018-01-13. Review status: criteria provided, single submitter. Criteria: ICSL Variant Classification Criteria 13 December 2019. Collection method: clinical testing. Allele origin: germline.
Comment: This variant was observed in the ICSL laboratory as part of a predisposition screen in an ostensibly healthy population. It had not been previously curated by ICSL or reported in the Human Gene Mutation Database (HGMD: prior to June 1st, 2018), and was therefore a candidate for classification through an automated scoring system. Utilizing variant allele frequency, disease prevalence and penetrance estimates, and inheritance mode, an automated score was calculated to assess if this variant is too frequent to cause the disease. Based on the score and internal cut-off values, a variant classified as benign is not then subjected to further curation. The score for this variant resulted in a classification of benign for this disease.

Breakthrough Genomics
Classification: Likely benign. Review status: criteria provided, single submitter. Criteria: ACMG Guidelines, 2015. Collection method: not provided. Allele origin: germline. Inheritance: Autosomal recessive inheritance. Affected: yes.